The following is an entry in ClinVar:

NM_000310.4(PPT1):c.583T>G (p.Tyr195Asp)

Gene: PPT1 (palmitoyl-protein thioesterase 1; minus strand). Cytogenetic location: 1p34.2.
Variant type: single nucleotide variant.
Coding change: c.583T>G on transcript NM_000310.4 (MANE Select); coding-DNA position 583, T replaced by G.
Protein change: p.Tyr195Asp; replaces tyrosine 195 with aspartic acid.
Molecular consequence: missense variant.
Genome position (GRCh38, 1-based): chr1:40,080,441, A>C on the plus strand (T>G on the coding strand, the complement: PPT1 is on the minus strand). VCF-style: chr1-40080441-A-C. GRCh37 (hg19) VCF-style: chr1-40546113-A-C.
Other names: c.274T>G, p.Tyr92Asp (NM_001142604.2); c.583T>G, p.Tyr195Asp (NM_001363695.2); short protein forms Y195D, Y92D.
Identifiers: ClinVar variation 948381 (VCV000948381.9), dbSNP rs1648869873, ClinGen allele CA339847738.

ClinVar aggregate classification (germline): Uncertain significance (1 of 4 stars; one submission).

Conditions:
Neuronal ceroid lipofuscinosis 1 (CLN1). Also called: CEROID LIPOFUSCINOSIS, NEURONAL, 1, VARIABLE AGE AT ONSET; PPT1-Related Neuronal Ceroid-Lipofuscinosis. Identifiers: Orphanet 228329, MedGen C1850451, MONDO:0009744, OMIM 256730.

Submission:

Labcorp Genetics (formerly Invitae), Labcorp
Classification: Uncertain significance for Neuronal ceroid lipofuscinosis 1. Last evaluated: 2019-04-24. Review status: criteria provided, single submitter. Criteria: Invitae Variant Classification Sherloc (09022015). Collection method: clinical testing. Allele origin: germline.
Comment: This variant is not present in population databases (ExAC no frequency). This sequence change replaces tyrosine with aspartic acid at codon 195 of the PPT1 protein (p.Tyr195Asp). The tyrosine residue is highly conserved and there is a large physicochemical difference between tyrosine and aspartic acid. This variant has not been reported in the literature in individuals with PPT1-related conditions. In summary, the available evidence is currently insufficient to determine the role of this variant in disease. Therefore, it has been classified as a Variant of Uncertain Significance. Algorithms developed to predict the effect of missense changes on protein structure and function are either unavailable or do not agree on the potential impact of this missense change (SIFT: "Deleterious"; PolyPhen-2: "Probably Damaging"; Align-GVGD: "Class C0").